The following is an entry in ClinVar:

NM_001267550.2(TTN):c.44323G>A (p.Val14775Met)

Gene: TTN (titin; minus strand). Cytogenetic location: 2q31.2.
Variant type: single nucleotide variant.
Coding change: c.44323G>A on transcript NM_001267550.2 (MANE Select); coding-DNA position 44323, G replaced by A.
Protein change: p.Val14775Met; replaces valine 14775 with methionine.
Molecular consequence: missense variant.
Genome position (GRCh38, 1-based): chr2:178,629,402, C>T on the plus strand (G>A on the coding strand, the complement: TTN is on the minus strand). VCF-style: chr2-178629402-C-T. GRCh37 (hg19) VCF-style: chr2-179494129-C-T.
Other names: c.39400G>A, p.Val13134Met (NM_001256850.1); c.17128G>A, p.Val5710Met (NM_003319.4); c.36619G>A, p.Val12207Met (NM_133378.4); c.17503G>A, p.Val5835Met (NM_133432.3); c.17704G>A, p.Val5902Met (NM_133437.4); short protein forms V14775M, V12207M, V5710M, V5835M, V5902M, V13134M.
Identifiers: ClinVar variation 572746 (VCV000572746.18), dbSNP rs540115992, ClinGen allele CA1995675.

ClinVar aggregate classification (germline): Conflicting classifications of pathogenicity. Review status: criteria provided, conflicting classifications (1 of 4 stars). 7 submissions from 7 submitters: Uncertain significance (5); Likely benign (2). Last evaluated 2023-01-12.

Conditions:
Dilated cardiomyopathy 1G (CMD1G). Identifiers: Orphanet 154, MedGen C1858763, MONDO:0011400, OMIM 604145.
Autosomal recessive limb-girdle muscular dystrophy type 2J (LGMDR10). Also called: Limb-girdle muscular dystrophy, type 2J; MUSCULAR DYSTROPHY, LIMB-GIRDLE, AUTOSOMAL RECESSIVE 10. Identifiers: Orphanet 140922, MedGen C1837342, MONDO:0012127, OMIM 608807.
Cardiovascular phenotype. Identifiers: MedGen CN230736.

Allele frequency attached by ClinVar (database versions not stated): gnomAD 0.00010; TOPMed 0.00010; 1000 Genomes Project 30x 0.00031; 1000 Genomes Project 0.00040.
gnomAD v4.1: 33 of 1,612,968 alleles (0.002%); highest among the groups gnomAD compares: Admixed American, 0.047%; no homozygotes.

Submissions (7):

Mayo Clinic Laboratories, Mayo Clinic
Classification: Uncertain significance. Last evaluated: 2023-01-12. Review status: criteria provided, single submitter. Criteria: ACMG Guidelines, 2015. Collection method: clinical testing. Allele origin: germline. Observed: 1 variant allele.

Revvity Omics, Revvity
Classification: Uncertain significance. Last evaluated: 2020-11-05. Review status: criteria provided, single submitter. Criteria: ACMG Guidelines, 2015. Collection method: clinical testing. Allele origin: germline.

Ambry Genetics
Classification: Uncertain significance for Cardiovascular phenotype. Last evaluated: 2020-01-02. Review status: criteria provided, single submitter. Criteria: Ambry Variant Classification Scheme 2023. Collection method: clinical testing. Allele origin: germline.
Comment: The p.V5710M variant (also known as c.17128G>A), located in coding exon 67 of the TTN gene, results from a G to A substitution at nucleotide position 17128. The valine at codon 5710 is replaced by methionine, an amino acid with highly similar properties. This amino acid position is highly conserved in available vertebrate species. In addition, the in silico prediction for this alteration is inconclusive. Since supporting evidence is limited at this time, the clinical significance of this alteration remains unclear.

Athena Diagnostics
Classification: Likely benign. Last evaluated: 2019-09-26. Review status: criteria provided, single submitter. Criteria: Athena Diagnostics Criteria. Collection method: clinical testing. Allele origin: unknown.

GeneDx
Classification: Likely benign. Last evaluated: 2019-06-11. Review status: criteria provided, single submitter. Criteria: GeneDx Variant Classification Process June 2021. Collection method: clinical testing. Allele origin: germline. Affected: yes.

ARUP Laboratories, Molecular Genetics and Genomics, ARUP Laboratories
Classification: Uncertain significance. Last evaluated: 2018-03-15. Review status: criteria provided, single submitter. Criteria: ARUP Molecular Germline Variant Investigation Process. Collection method: clinical testing. Allele origin: germline.
Comment: The TTN c.36619G>A; p.Val12207Met variant is rare in the general population (<1% allele frequency in the Genome Aggregation Database) and has not been reported in the medical literature in association with dilated cardiomyopathy (DCM) or other TTN-related disease. The clinical relevance of rare missense variants in this gene, which are identified on average once per individual sequenced in affected populations (Herman 2012), is not well understood. While the clinical significance of such variants is considered uncertain, evidence suggests that vast majority of missense variants do not contribute to the clinical outcome of DCM (Begay 2015). Given the available evidence, the clinical significance of the p.Val12207Met variant cannot be determined with certainty.

Labcorp Genetics (formerly Invitae), Labcorp
Classification: Uncertain significance for Dilated cardiomyopathy 1G; Autosomal recessive limb-girdle muscular dystrophy type 2J. Last evaluated: 2017-09-26. Review status: criteria provided, single submitter. Criteria: Invitae Variant Classification Sherloc (09022015). Collection method: clinical testing. Allele origin: germline.
Comment: This sequence change replaces valine with methionine at codon 14775 of the TTN protein (p.Val14775Met). The valine residue is conserved and there is a small physicochemical difference between valine and methionine. This variant is present in population databases (rs540115992, ExAC 0.08%), and has an allele count higher than expected for a pathogenic variant (PMID: 28166811). This variant has not been reported in the literature in individuals with TTN-related disease. In summary, the available evidence is currently insufficient to determine the role of this variant in disease. Therefore, it has been classified as a Variant of Uncertain Significance.

Literature cited by the submitters: PubMed 28166811 (cited by Labcorp Genetics (formerly Invitae), Labcorp).